The following is an entry in ClinVar:

NM_004618.5(TOP3A):c.1434G>A (p.Leu478=)

Gene: TOP3A (DNA topoisomerase III alpha; minus strand). Cytogenetic location: 17p11.2.
Variant type: single nucleotide variant.
Coding change: c.1434G>A on transcript NM_004618.5 (MANE Select); coding-DNA position 1434, G replaced by A.
Protein change: p.Leu478=; no amino-acid change (leucine 478 retained).
Molecular consequence: synonymous variant.
Genome position (GRCh38, 1-based): chr17:18,290,875, C>T on the plus strand (G>A on the coding strand, the complement: TOP3A is on the minus strand). VCF-style: chr17-18290875-C-T. GRCh37 (hg19) VCF-style: chr17-18194189-C-T.
Other names: c.1149G>A, p.Leu383= (NM_001320759.2).
Identifiers: ClinVar variation 1879364 (VCV001879364.35), dbSNP rs180738621, ClinGen allele CA8429920.

ClinVar aggregate classification (germline): Benign/Likely benign. Review status: criteria provided, multiple submitters, no conflicts (2 of 4 stars). 3 submissions from 3 submitters: Benign (2); Likely benign (1). Last evaluated 2025-11-28.

Allele frequency attached by ClinVar (database versions not stated): TOPMed 0.00004; 1000 Genomes Project 30x 0.00031; gnomAD exomes 0.00032; 1000 Genomes Project 0.00040; gnomAD 0.00050; ExAC 0.00051.

Submissions (3):

Labcorp Genetics (formerly Invitae), Labcorp
Classification: Benign. Last evaluated: 2025-11-28. Review status: criteria provided, single submitter. Criteria: Invitae Variant Classification Sherloc (09022015). Collection method: clinical testing. Allele origin: germline.

CeGaT Center for Human Genetics Tuebingen
Classification: Likely benign. Last evaluated: 2025-04-01. Review status: criteria provided, single submitter. Criteria: CeGaT Center For Human Genetics Tuebingen Variant Classification Criteria Version 2. Collection method: clinical testing. Allele origin: germline. Affected: yes. Observed: 2 variant alleles.
Comment: TOP3A: BP4, BP7

Laboratory of Genetics, Children's Clinical University Hospital Latvia
Classification: Benign. Last evaluated: 2025-02-16. Review status: criteria provided, single submitter. Criteria: ACMG Guidelines, 2015. Collection method: clinical testing. Allele origin: germline. Affected: yes.